The following is an entry in ClinVar:

ClinVar aggregate classification (germline): Conflicting classifications of pathogenicity. Review status: criteria provided, conflicting classifications (1 of 4 stars). 3 submissions from 3 submitters: Uncertain significance (2); Likely benign (1). Last evaluated 2025-08-29.

Conditions:
Hereditary cancer-predisposing syndrome. Also called: Neoplastic Syndromes, Hereditary; Tumor predisposition; Hereditary Cancer Syndrome; Hereditary neoplastic syndrome. Identifiers: Orphanet 140162, MedGen C0027672, MeSH D009386, MONDO:0015356.
Familial cancer of breast. Also called: BREAST CANCER, FAMILIAL; hereditary breast carcinoma; Hereditary breast cancer. Identifiers: Orphanet 227535, MedGen C0346153, MONDO:0016419, OMIM 114480. Disease mechanism: loss of function.

Submissions (3):

Labcorp Genetics (formerly Invitae), Labcorp
Classification: Uncertain significance for Familial cancer of breast. Last evaluated: 2025-08-29. Review status: criteria provided, single submitter. Criteria: Invitae Variant Classification Sherloc (09022015). Collection method: clinical testing. Allele origin: germline.
Comment: This sequence change replaces valine, which is neutral and non-polar, with methionine, which is neutral and non-polar, at codon 352 of the BARD1 protein (p.Val352Met). Information on the frequency of this variant in the gnomAD database is not available, as this variant may be reported differently in the database. This variant has not been reported in the literature in individuals affected with BARD1-related conditions. ClinVar contains an entry for this variant (Variation ID: 460687). An algorithm developed to predict the effect of missense changes on protein structure and function outputs the following: PolyPhen-2: "Not Available". The methionine amino acid residue is found in multiple mammalian species, which suggests that this missense change does not adversely affect protein function. In summary, the available evidence is currently insufficient to determine the role of this variant in disease. Therefore, it has been classified as a Variant of Uncertain Significance.

Color Diagnostics, LLC DBA Color Health
Classification: Uncertain significance for Hereditary cancer-predisposing syndrome. Last evaluated: 2024-03-07. Review status: criteria provided, single submitter. Criteria: ACMG Guidelines, 2015. Collection method: clinical testing. Allele origin: germline.
Comment: This missense variant replaces valine with methionine at codon 352 of the BARD1 protein. Computational prediction suggests that this protein variant may not impact protein structure and function (internally defined REVEL score threshold <= 0.5, PMID: 27666373). To our knowledge, functional studies have not been reported for this variant. This variant has not been reported in individuals affected with hereditary cancer in the literature. This variant has not been identified in the general population by the Genome Aggregation Database (gnomAD). The available evidence is insufficient to determine the role of this variant in disease conclusively. Therefore, this variant is classified as a Variant of Uncertain Significance.

Ambry Genetics
Classification: Likely benign for Hereditary cancer-predisposing syndrome. Last evaluated: 2022-10-13. Review status: criteria provided, single submitter. Criteria: Ambry Variant Classification Scheme 2023. Collection method: clinical testing. Allele origin: germline.

NM_000465.4(BARD1):c.1053_1054delinsCA (p.Val352Met)

Gene: BARD1 (BRCA1 associated RING domain 1; minus strand). Cytogenetic location: 2q35.
Variant type: Indel.
Coding change: c.1053_1054delinsCA on transcript NM_000465.4 (MANE Select); coding-DNA positions 1053 to 1054, GG replaced by CA.
Protein change: p.Val352Met; replaces valine 352 with methionine.
Molecular consequence: missense variant. On other transcripts: non-coding transcript variant (2), intron variant (3).
Genome position (GRCh38, 1-based): chr2:214,780,820-214,780,821, CC replaced by TG on the plus strand (GG replaced by CA on the coding strand, the reverse complement: BARD1 is on the minus strand). VCF-style: chr2-214780820-CC-TG. GRCh37 (hg19) VCF-style: chr2-215645544-CC-TG.
Other names: c.1053_1054delGGinsCA (NM_000465.2); c.996_997delinsCA, p.Val333Met (NM_001282543.2); c.159-28266_159-28265delinsCA (NM_001282548.2); c.215+16240_215+16241delinsCA (NM_001282545.2); c.364+11476_364+11477delinsCA (NM_001282549.2); short protein forms V352M, V333M.
Identifiers: ClinVar variation 460687 (VCV000460687.12), dbSNP rs1553622282, ClinGen allele CA658657242.